The following is an entry in ClinVar:

ClinVar aggregate classification (germline): Uncertain significance. Review status: criteria provided, multiple submitters, no conflicts (2 of 4 stars). 3 submissions from 3 submitters: Uncertain significance (3). Last evaluated 2025-11-10.

Conditions:
DICER1-related tumor predisposition. Also called: DICER1 syndrome; DICER1-related pleuropulmonary blastoma cancer predisposition syndrome. Identifiers: Orphanet 284343, MedGen C3839822, MONDO:0100216.
Hereditary cancer-predisposing syndrome. Also called: Neoplastic Syndromes, Hereditary; Tumor predisposition; Hereditary Cancer Syndrome; Hereditary neoplastic syndrome. Identifiers: Orphanet 140162, MedGen C0027672, MeSH D009386, MONDO:0015356.

Allele frequency attached by ClinVar (database versions not stated): gnomAD exomes below 0.00001; TOPMed below 0.00001; ExAC 0.00001; gnomAD 0.00001.

Submissions (3):

Labcorp Genetics (formerly Invitae), Labcorp
Classification: Uncertain significance for DICER1-related tumor predisposition. Last evaluated: 2025-11-10. Review status: criteria provided, single submitter. Criteria: Invitae Variant Classification Sherloc (09022015). Collection method: clinical testing. Allele origin: germline.
Comment: This sequence change replaces tyrosine, which is neutral and polar, with cysteine, which is neutral and slightly polar, at codon 153 of the DICER1 protein (p.Tyr153Cys). This variant is present in population databases (rs769827245, gnomAD 0.003%). This variant has not been reported in the literature in individuals affected with DICER1-related conditions. ClinVar contains an entry for this variant (Variation ID: 1741692). Invitae Evidence Modeling of protein sequence and biophysical properties (such as structural, functional, and spatial information, amino acid conservation, physicochemical variation, residue mobility, and thermodynamic stability) indicates that this missense variant is not expected to disrupt DICER1 protein function with a negative predictive value of 95%. In summary, the available evidence is currently insufficient to determine the role of this variant in disease. Therefore, it has been classified as a Variant of Uncertain Significance.

Ambry Genetics
Classification: Uncertain significance for Hereditary cancer-predisposing syndrome. Last evaluated: 2025-09-26. Review status: criteria provided, single submitter. Criteria: Ambry Variant Classification Scheme 2023. Collection method: clinical testing. Allele origin: germline.

Hereditary Cancer Group, L’Institut d'Investigació Biomèdica de Bellvitge
Classification: Uncertain significance for Hereditary cancer-predisposing syndrome. Last evaluated: 2024-12-19. Review status: criteria provided, single submitter. Criteria: Hatton et al. (Hum Mutat. 2023). Collection method: clinical testing. Allele origin: germline. Inheritance: Autosomal dominant inheritance. Affected: yes.
Comment: BP4

NM_177438.3(DICER1):c.458A>G (p.Tyr153Cys)

Gene: DICER1 (dicer 1, ribonuclease III; minus strand). Cytogenetic location: 14q32.13.
Variant type: single nucleotide variant.
Coding change: c.458A>G on transcript NM_177438.3 (MANE Select); coding-DNA position 458, A replaced by G.
Protein change: p.Tyr153Cys; replaces tyrosine 153 with cysteine.
Molecular consequence: missense variant. On other transcripts: 5 prime UTR variant (1), non-coding transcript variant (6), intron variant (1).
Genome position (GRCh38, 1-based): chr14:95,130,173, T>C on the plus strand (A>G on the coding strand, the complement: DICER1 is on the minus strand). VCF-style: chr14-95130173-T-C. GRCh37 (hg19) VCF-style: chr14-95596510-T-C.
Other names: c.458A>G, p.Tyr153Cys (NM_001195573.1, NM_001271282.3, NM_001291628.2 and 15 more transcripts); c.176A>G, p.Tyr59Cys (NM_001395686.1); c.53A>G, p.Tyr18Cys (NM_001395687.1, NM_001395688.1, NM_001395689.1 and 3 more transcripts); c.-1111A>G (NM_001395697.1); c.-20-90A>G (NM_001395691.1); short protein forms Y59C, Y18C, Y153C.
Identifiers: ClinVar variation 1741692 (VCV001741692.11), dbSNP rs769827245, ClinGen allele CA7331655.